The following is an entry in ClinVar:

NM_014874.4(MFN2):c.2069+5G>C

Gene: MFN2 (mitofusin 2; plus strand). Cytogenetic location: 1p36.22.
Variant type: single nucleotide variant.
Coding change: c.2069+5G>C on transcript NM_014874.4 (MANE Select); 5 bases into the intron after coding-DNA position 2069, G replaced by C.
Molecular consequence: intron variant.
Genome position (GRCh38, 1-based): chr1:12,007,254, G>C. VCF-style: chr1-12007254-G-C. GRCh37 (hg19) VCF-style: chr1-12067311-G-C.
Other names: c.2069+5G>C (NM_001127660.2).
Identifiers: ClinVar variation 3385110 (VCV003385110.1).

ClinVar aggregate classification (germline): Uncertain significance (1 of 4 stars; one submission).

Submission:

Women's Health and Genetics/Laboratory Corporation of America, LabCorp
Classification: Uncertain significance. Last evaluated: 2024-10-24. Review status: criteria provided, single submitter. Criteria: LabCorp Variant Classification Summary - May 2015. Collection method: clinical testing. Allele origin: germline.
Comment: Variant summary: MFN2 c.2069+5G>C alters a conserved nucleotide located close to a canonical splice site and therefore could affect mRNA splicing, leading to a significantly altered protein sequence. Several computational tools predict a significant impact on normal splicing: Three predict the variant abolishes the canonical 5' splicing donor site. One predict the variant weakens the canonical 5' donor site. One predict the variant strengthens a cryptic 5' donor site. However, these predictions have yet to be confirmed by functional studies. The variant was absent in 247932 control chromosomes. The available data on variant occurrences in the general population are insufficient to allow any conclusion about variant significance. To our knowledge, no occurrence of c.2069+5G>C in individuals affected with Charcot-Marie Disease, Axonal, Autosomal Recessive, Type 2a2b and no experimental evidence demonstrating its impact on protein function have been reported. No submitters have cited clinical-significance assessments for this variant to ClinVar. Based on the evidence outlined above, the variant was classified as uncertain significance.